The following is an entry in ClinVar:

NM_004268.5(MED17):c.1666G>T (p.Gly556Ter)

Gene: MED17 (mediator complex subunit 17; plus strand). Cytogenetic location: 11q21.
Variant type: single nucleotide variant.
Coding change: c.1666G>T on transcript NM_004268.5 (MANE Select); coding-DNA position 1666, G replaced by T.
Protein change: p.Gly556Ter; replaces glycine 556 with a stop codon.
Molecular consequence: nonsense.
Genome position (GRCh38, 1-based): chr11:93,809,798, G>T. VCF-style: chr11-93809798-G-T. GRCh37 (hg19) VCF-style: chr11-93542964-G-T.
Other names: short protein forms G556*.
Identifiers: ClinVar variation 4815334 (VCV004815334.1).

ClinVar aggregate classification (germline): Likely pathogenic (1 of 4 stars; one submission).

Conditions:
Infantile cerebral and cerebellar atrophy with postnatal progressive microcephaly (MSBA). Identifiers: Orphanet 402364, MedGen C3150921, MONDO:0013351, OMIM 613668.

Submission:

Natera, Inc.
Classification: Likely pathogenic for Postnatal progressive microcephaly with seizures and brain atrophy. Last evaluated: 2024-10-02. Review status: criteria provided, single submitter. Criteria: Natera Variant Classification Schema (03/2026). Collection method: clinical testing. Allele origin: germline.
Comment: The c.1666G>T variant in MED17 is a nonsense variant predicted to introduce a stop codon at amino acid 556. This variant is expected to result in nonsense mediated decay, truncation, or a dysfunctional protein product. This variant is rare in the general population with a frequency below the threshold expected for the associated phenotype(s). Given the available evidence, this variant is classified as Likely Pathogenic.